The following is an entry in ClinVar:

NM_001267550.2(TTN):c.38010T>A (p.Pro12670=)

Gene: TTN (titin; minus strand). Cytogenetic location: 2q31.2.
Variant type: single nucleotide variant.
Coding change: c.38010T>A on transcript NM_001267550.2 (MANE Select); coding-DNA position 38010, T replaced by A.
Protein change: p.Pro12670=; no amino-acid change (proline 12670 retained).
Molecular consequence: synonymous variant. On other transcripts: intron variant (5).
Genome position (GRCh38, 1-based): chr2:178,657,526, A>T on the plus strand (T>A on the coding strand, the complement: TTN is on the minus strand). VCF-style: chr2-178657526-A-T. GRCh37 (hg19) VCF-style: chr2-179522253-A-T.
Other names: c.13283-15209T>A (NM_003319.4); c.13859-15209T>A (NM_133437.4); c.13658-15209T>A (NM_133432.3); c.31741+1479T>A (NM_133378.4); c.34522+1479T>A (NM_001256850.1).
Identifiers: ClinVar variation 729043 (VCV000729043.18), dbSNP rs753763644, ClinGen allele CA1997203.

ClinVar aggregate classification (germline): Likely benign. Review status: criteria provided, multiple submitters, no conflicts (2 of 4 stars). 2 submissions from 2 submitters: Likely benign (2). Last evaluated 2026-09-01.

Conditions:
Dilated cardiomyopathy 1G (CMD1G). Identifiers: Orphanet 154, MedGen C1858763, MONDO:0011400, OMIM 604145.
Autosomal recessive limb-girdle muscular dystrophy type 2J (LGMDR10). Also called: MUSCULAR DYSTROPHY, LIMB-GIRDLE, AUTOSOMAL RECESSIVE 10; Limb-girdle muscular dystrophy, type 2J. Identifiers: Orphanet 140922, MedGen C1837342, MONDO:0012127, OMIM 608807.

Allele frequency attached by ClinVar (database versions not stated): ExAC 0.00004.

Submissions (2):

CeGaT Center for Human Genetics Tuebingen
Classification: Likely benign. Last evaluated: 2026-09-01. Review status: criteria provided, single submitter. Criteria: CeGaT Center For Human Genetics Tuebingen Variant Classification Criteria Version 2. Collection method: clinical testing. Allele origin: germline. Affected: yes. Observed: 3 variant alleles.
Comment: TTN: BP4, BP7

Labcorp Genetics (formerly Invitae), Labcorp
Classification: Likely benign for Dilated cardiomyopathy 1G; Autosomal recessive limb-girdle muscular dystrophy type 2J. Last evaluated: 2023-05-04. Review status: criteria provided, single submitter. Criteria: Invitae Variant Classification Sherloc (09022015). Collection method: clinical testing. Allele origin: germline.